The following is an entry in ClinVar:

NM_001244926.2(PRPF4):c.1423A>G (p.Ile475Val)

Gene: PRPF4 (pre-mRNA splicing tri-snRNP complex factor PRPF4; plus strand). Cytogenetic location: 9q32.
Variant type: single nucleotide variant.
Coding change: c.1423A>G on transcript NM_001244926.2 (MANE Select); coding-DNA position 1423, A replaced by G.
Protein change: p.Ile475Val; replaces isoleucine 475 with valine.
Molecular consequence: missense variant. On other transcripts: non-coding transcript variant (2).
Genome position (GRCh38, 1-based): chr9:113,291,517, A>G. VCF-style: chr9-113291517-A-G. GRCh37 (hg19) VCF-style: chr9-116053797-A-G.
Other names: c.697A>G, p.Ile233Val (NM_001322266.2, NM_001322267.2); c.1426A>G, p.Ile476Val (NM_004697.5); short protein forms I475V, I476V, I233V.
Identifiers: ClinVar variation 1470214 (VCV001470214.6), dbSNP rs1243383223, ClinGen allele CA374556177.

ClinVar aggregate classification (germline): Uncertain significance (1 of 4 stars; one submission).

Allele frequency attached by ClinVar (database versions not stated): gnomAD exomes below 0.00001; TOPMed 0.00001.
gnomAD v4.1: 1 of 1,614,134 alleles (0.000062%); highest among the groups gnomAD compares: African/African-American, 0.0013%; no homozygotes.

Submission:

Labcorp Genetics (formerly Invitae), Labcorp
Classification: Uncertain significance. Last evaluated: 2021-08-04. Review status: criteria provided, single submitter. Criteria: Invitae Variant Classification Sherloc (09022015). Collection method: clinical testing. Allele origin: germline.
Comment: In summary, the available evidence is currently insufficient to determine the role of this variant in disease. Therefore, it has been classified as a Variant of Uncertain Significance. Algorithms developed to predict the effect of sequence changes on RNA splicing suggest that this variant may create or strengthen a splice site. Algorithms developed to predict the effect of missense changes on protein structure and function output the following: SIFT: "Tolerated"; PolyPhen-2: "Benign"; Align-GVGD: "Class C0". The valine amino acid residue is found in multiple mammalian species, which suggests that this missense change does not adversely affect protein function. This variant has not been reported in the literature in individuals affected with PRPF4-related conditions. This variant is not present in population databases (ExAC no frequency). This sequence change replaces isoleucine with valine at codon 476 of the PRPF4 protein (p.Ile476Val). The isoleucine residue is moderately conserved and there is a small physicochemical difference between isoleucine and valine.